The following is an entry in ClinVar:

ClinVar aggregate classification (germline): Uncertain significance (1 of 4 stars; one submission).

Submission:

GeneDx
Classification: Uncertain significance. Last evaluated: 2024-09-09. Review status: criteria provided, single submitter. Criteria: GeneDx Variant Classification Process June 2021. Collection method: clinical testing. Allele origin: germline. Affected: yes.
Comment: Not observed at significant frequency in large population cohorts (gnomAD); In silico analysis indicates that this missense variant does not alter protein structure/function; Has not been previously published as pathogenic or benign to our knowledge

NM_022841.7(RFX7):c.1924G>A (p.Gly642Ser)

Gene: RFX7 (regulatory factor X7; minus strand). Cytogenetic location: 15q21.3.
Variant type: single nucleotide variant.
Coding change: c.1924G>A on transcript NM_022841.7 (MANE Select); coding-DNA position 1924, G replaced by A.
Protein change: p.Gly642Ser; replaces glycine 642 with serine.
Molecular consequence: missense variant.
Genome position (GRCh38, 1-based): chr15:56,095,804, C>T on the plus strand (G>A on the coding strand, the complement: RFX7 is on the minus strand). VCF-style: chr15-56095804-C-T. GRCh37 (hg19) VCF-style: chr15-56388002-C-T.
Other names: c.1633G>A, p.Gly545Ser (NM_001368073.2, NM_001368074.1, NM_001370554.1); c.1924G>A, p.Gly642Ser (NM_001370561.1); short protein forms G545S, G642S.
Identifiers: ClinVar variation 3767509 (VCV003767509.1).